The following is an entry in ClinVar:

ClinVar aggregate classification (germline): Uncertain significance (1 of 4 stars; one submission).

Submission:

GeneDx
Classification: Uncertain significance. Last evaluated: 2025-04-10. Review status: criteria provided, single submitter. Criteria: GeneDx Variant Classification Process June 2021. Collection method: clinical testing. Allele origin: germline. Affected: yes.
Comment: Not observed at significant frequency in large population cohorts (gnomAD); In silico analysis supports that this missense variant has a deleterious effect on protein structure/function; Has not been previously published as pathogenic or benign to our knowledge

NM_001378974.1(FBXW11):c.1553G>A (p.Arg518Gln)

Gene: FBXW11 (F-box and WD repeat domain containing 11; minus strand). Cytogenetic location: 5q35.1.
Variant type: single nucleotide variant.
Coding change: c.1553G>A on transcript NM_001378974.1 (MANE Select); coding-DNA position 1553, G replaced by A.
Protein change: p.Arg518Gln; replaces arginine 518 with glutamine.
Molecular consequence: missense variant.
Genome position (GRCh38, 1-based): chr5:171,868,774, C>T on the plus strand (G>A on the coding strand, the complement: FBXW11 is on the minus strand). VCF-style: chr5-171868774-C-T. GRCh37 (hg19) VCF-style: chr5-171295778-C-T.
Other names: c.1484G>A, p.Arg495Gln (NM_001378975.1); c.1457G>A, p.Arg486Gln (NM_001378976.1); c.1394G>A, p.Arg465Gln (NM_001378977.1, NM_001378978.1, NM_001378979.1); c.1388G>A, p.Arg463Gln (NM_001378980.1, NM_033645.3); c.1490G>A, p.Arg497Gln (NM_012300.3); c.1451G>A, p.Arg484Gln (NM_033644.3); short protein forms R463Q, R465Q, R484Q, R486Q, R495Q, R497Q, R518Q.
Identifiers: ClinVar variation 4527094 (VCV004527094.1).